The following is an entry in ClinVar:

NM_000255.4(MMUT):c.2159_2160del (p.Asn720fs)

Gene: MMUT (methylmalonyl-CoA mutase; minus strand). Cytogenetic location: 6p12.3.
Variant type: Deletion.
Coding change: c.2159_2160del on transcript NM_000255.4 (MANE Select); coding-DNA positions 2159 to 2160, 2 bases deleted (AT; older notation c.2159_2160delAT).
Protein change: p.Asn720fs; shifts the reading frame from asparagine 720.
Molecular consequence: frameshift variant.
Genome position (GRCh38, 1-based): chr6:49,431,821-49,431,822, AT deleted on the plus strand (AT on the coding strand, the reverse complement: MMUT is on the minus strand). VCF-style (leftmost placement, unchanged base first): chr6-49431820-CAT-C. GRCh37 (hg19) VCF-style: chr6-49399533-CAT-C.
Other names: short protein forms N720fs.
Identifiers: ClinVar variation 1459265 (VCV001459265.8), dbSNP rs2127412094, ClinGen allele CA2573140871.
Genomic context (GRCh38, chr6:49,431,820, plus strand): 5'-TCTCAATATCATCAAGCACCTGAACGGCAGCCTTTGGAATTCGAGTCCCAGGACCAAATA[CAT>C]TGGAAACACCAACTTCAAACAGAAATTCATAATCCTGTTGAAAGAATGTGTTTAATTAAT-3'

ClinVar aggregate classification (germline): Pathogenic (1 of 4 stars; one submission).

Submission:

Labcorp Genetics (formerly Invitae), Labcorp
Classification: Pathogenic. Last evaluated: 2020-11-21. Review status: criteria provided, single submitter. Criteria: Invitae Variant Classification Sherloc (09022015). Collection method: clinical testing. Allele origin: germline.
Comment: For these reasons, this variant has been classified as Pathogenic. This variant disrupts the C-terminus of the MUT protein. Other variant(s) that disrupt this region (p.Ala732Glyfs*6) have been determined to be pathogenic (Invitae). This suggests that variants that disrupt this region of the protein are likely to be causative of disease. Algorithms developed to predict the effect of sequence changes on RNA splicing suggest that this variant may create or strengthen a splice site, but this prediction has not been confirmed by published transcriptional studies. This variant has been observed in individual(s) with methylmalonic aciduria (PMID: 16281286, 17957493). This variant is not present in population databases (ExAC no frequency). This sequence change creates a premature translational stop signal (p.Asn720Serfs*17) in the MUT gene. While this is not anticipated to result in nonsense mediated decay, it is expected to disrupt the last 31 amino acid(s) of the MUT protein.

Literature cited by the submitters: PubMed 16281286; PubMed 17957493.